The following is an entry in ClinVar:

ClinVar aggregate classification (germline): Uncertain significance. Review status: criteria provided, multiple submitters, no conflicts (2 of 4 stars). 2 submissions from 2 submitters: Uncertain significance (2). Last evaluated 2025-09-18.

Conditions:
Hereditary cancer-predisposing syndrome. Also called: Hereditary Cancer Syndrome; Tumor predisposition; Hereditary neoplastic syndrome; Neoplastic Syndromes, Hereditary. Identifiers: Orphanet 140162, MedGen C0027672, MeSH D009386, MONDO:0015356.
Carney complex, type 1 (CNC1). Also called: CARNEY COMPLEX, TYPE I; CARNEY MYXOMA-ENDOCRINE COMPLEX. Identifiers: Orphanet 1359, MedGen C2607929, MONDO:0008057, OMIM 160980.

Allele frequency attached by ClinVar (database versions not stated): gnomAD exomes below 0.00001; gnomAD 0.00001.
gnomAD v4.1: 3 of 1,613,878 alleles (0.00019%); highest among the groups gnomAD compares: South Asian, 0.0011%; no homozygotes.

Submissions (2):

Ambry Genetics
Classification: Uncertain significance for Hereditary cancer-predisposing syndrome. Last evaluated: 2025-09-18. Review status: criteria provided, single submitter. Criteria: Ambry Variant Classification Scheme 2023. Collection method: clinical testing. Allele origin: germline.
Comment: The p.S193G variant (also known as c.577A>G), located in coding exon 6 of the PRKAR1A gene, results from an A to G substitution at nucleotide position 577. The serine at codon 193 is replaced by glycine, an amino acid with similar properties. This amino acid position is conserved. In addition, this alteration is predicted to be deleterious by in silico analysis. Based on the available evidence, the clinical significance of this variant remains unclear.

Labcorp Genetics (formerly Invitae), Labcorp
Classification: Uncertain significance for Carney complex, type 1. Last evaluated: 2022-11-28. Review status: criteria provided, single submitter. Criteria: Invitae Variant Classification Sherloc (09022015). Collection method: clinical testing. Allele origin: germline.
Comment: In summary, the available evidence is currently insufficient to determine the role of this variant in disease. Therefore, it has been classified as a Variant of Uncertain Significance. Advanced modeling of protein sequence and biophysical properties (such as structural, functional, and spatial information, amino acid conservation, physicochemical variation, residue mobility, and thermodynamic stability) performed at Invitae indicates that this missense variant is not expected to disrupt PRKAR1A protein function. ClinVar contains an entry for this variant (Variation ID: 646619). This variant has not been reported in the literature in individuals affected with PRKAR1A-related conditions. This variant is not present in population databases (gnomAD no frequency). This sequence change replaces serine, which is neutral and polar, with glycine, which is neutral and non-polar, at codon 193 of the PRKAR1A protein (p.Ser193Gly).

NM_002734.5(PRKAR1A):c.577A>G (p.Ser193Gly)

Gene: PRKAR1A (protein kinase cAMP-dependent type I regulatory subunit alpha; plus strand). Cytogenetic location: 17q24.2.
Variant type: single nucleotide variant.
Coding change: c.577A>G on transcript NM_002734.5 (MANE Select); coding-DNA position 577, A replaced by G.
Protein change: p.Ser193Gly; replaces serine 193 with glycine.
Molecular consequence: missense variant.
Genome position (GRCh38, 1-based): chr17:68,525,781, A>G. VCF-style: chr17-68525781-A-G. GRCh37 (hg19) VCF-style: chr17-66521922-A-G.
Other names: c.577A>G (NM_002734.3); c.577A>G, p.Ser193Gly (NM_001276289.2, NM_001276290.1, NM_001278433.2 and 4 more transcripts); short protein forms S193G.
Identifiers: ClinVar variation 646619 (VCV000646619.9), dbSNP rs1600486090, ClinGen allele CA400753110.